The following is an entry in ClinVar:

NM_001430.5(EPAS1):c.1517C>A (p.Ala506Asp)

Gene: EPAS1 (endothelial PAS domain protein 1; plus strand). Cytogenetic location: 2p21.
Variant type: single nucleotide variant.
Coding change: c.1517C>A on transcript NM_001430.5 (MANE Select); coding-DNA position 1517, C replaced by A.
Protein change: p.Ala506Asp; replaces alanine 506 with aspartic acid.
Molecular consequence: missense variant.
Genome position (GRCh38, 1-based): chr2:46,378,730, C>A. VCF-style: chr2-46378730-C-A. GRCh37 (hg19) VCF-style: chr2-46605869-C-A.
Other names: short protein forms A506D.
Identifiers: ClinVar variation 1774333 (VCV001774333.2), dbSNP rs2546474634, ClinGen allele CA346704278.

ClinVar aggregate classification (germline): Uncertain significance (1 of 4 stars; one submission).

Conditions:
Inborn genetic diseases. Identifiers: MedGen C0950123, MeSH D030342.

Submission:

Ambry Genetics
Classification: Uncertain significance for Inborn genetic diseases. Last evaluated: 2021-06-15. Review status: criteria provided, single submitter. Criteria: Ambry Variant Classification Scheme 2023. Collection method: clinical testing. Allele origin: germline.
Comment: The p.A506D variant (also known as c.1517C>A), located in coding exon 11 of the EPAS1 gene, results from a C to A substitution at nucleotide position 1517. The alanine at codon 506 is replaced by aspartic acid, an amino acid with dissimilar properties. This amino acid position is conserved. In addition, the in silico prediction for this alteration is inconclusive. Since supporting evidence is limited at this time, the clinical significance of this alteration remains unclear.